The following is an entry in ClinVar:

NM_032119.4(ADGRV1):c.4114_4117del (p.Ile1372fs)

Gene: ADGRV1 (adhesion G protein-coupled receptor V1; plus strand). Cytogenetic location: 5q14.3.
Variant type: Deletion.
Coding change: c.4114_4117del on transcript NM_032119.4 (MANE Select); coding-DNA positions 4114 to 4117, 4 bases deleted (ATAG; older notation c.4114_4117delATAG).
Protein change: p.Ile1372fs; shifts the reading frame from isoleucine 1372.
Molecular consequence: frameshift variant. On other transcripts: non-coding transcript variant (1).
Genome position (GRCh38, 1-based): chr5:90,653,688-90,653,691, ATAG deleted. VCF-style (leftmost placement, unchanged base first): chr5-90653687-TATAG-T. GRCh37 (hg19) VCF-style: chr5-89949504-TATAG-T.
Other names: short protein forms I1372fs.
Identifiers: ClinVar variation 817224 (VCV000817224.1), dbSNP rs1580609047, ClinGen allele CA915943453.

ClinVar aggregate classification (germline): Pathogenic (1 of 4 stars; one submission).

Submission:

GeneDx
Classification: Pathogenic. Last evaluated: 2018-10-11. Review status: criteria provided, single submitter. Criteria: GeneDx Variant Classification (06012015). Collection method: clinical testing. Allele origin: germline. Affected: yes.
Comment: The c.4114_4117delATAG variant has not been published as a pathogenic variant, nor has it been reported as a benign variant to our knowledge. It causes a frameshift starting with codon Isoleucine 1372, changes this amino acid to an Arginine residue and creates a premature Stop codon at position 13 of the new reading frame, denoted p.Ile1372ArgfsX13. This variant is predicted to cause loss of normal protein function either through protein truncation or nonsense-mediated mRNA decay. The variant is not observed in large population cohorts (Lek et al., 2016). We consider this variant to be pathogenic.